The following is an entry in ClinVar:

NM_138477.4(CDAN1):c.3135C>A (p.Asp1045Glu)

Gene: CDAN1 (codanin 1; minus strand). Cytogenetic location: 15q15.2.
Variant type: single nucleotide variant.
Coding change: c.3135C>A on transcript NM_138477.4 (MANE Select); coding-DNA position 3135, C replaced by A.
Protein change: p.Asp1045Glu; replaces aspartic acid 1045 with glutamic acid.
Molecular consequence: missense variant.
Genome position (GRCh38, 1-based): chr15:42,726,379, G>T on the plus strand (C>A on the coding strand, the complement: CDAN1 is on the minus strand). VCF-style: chr15-42726379-G-T. GRCh37 (hg19) VCF-style: chr15-43018577-G-T.
Other names: p.Asp1045Glu; short protein forms D1045E.
Identifiers: ClinVar variation 886001 (VCV000886001.10), dbSNP rs146289653, ClinGen allele CA7515269.

ClinVar aggregate classification (germline): Conflicting classifications of pathogenicity. Review status: criteria provided, conflicting classifications (1 of 4 stars). 6 submissions from 6 submitters: Uncertain significance (4); Likely benign (2). Last evaluated 2025-09-09.

Conditions:
Anemia, congenital dyserythropoietic, type 1a (CDAN1A). Also called: DYSERYTHROPOIETIC ANEMIA, CONGENITAL, TYPE Ia; CDAN1-Related Congenital Dyserythropoietic Anemia. Identifiers: MedGen C5574667, MONDO:0009135, OMIM 224120.
Inborn genetic diseases. Identifiers: MedGen C0950123, MeSH D030342.
Congenital dyserythropoietic anemia, type I. Also called: Dyserythropoietic anemia, congenital type 1. Identifiers: Orphanet 98869, MedGen C0271933, MONDO:0020337. Disease mechanism: loss of function.

Allele frequency attached by ClinVar (database versions not stated): 1000 Genomes Project 30x 0.00031; TOPMed 0.00037.
gnomAD v4.1: 874 of 1,599,598 alleles (0.055%); highest among the groups gnomAD compares: Non-Finnish European, 0.066%; 1 homozygote.

Submissions (6):

Mayo Clinic Laboratories, Mayo Clinic
Classification: Uncertain significance. Last evaluated: 2025-09-09. Review status: criteria provided, single submitter. Criteria: ACMG Guidelines, 2015. Collection method: clinical testing. Allele origin: germline. Observed: 1 variant allele.
Comment: BP4

Blueprint Genetics
Classification: Likely benign. Last evaluated: 2024-10-30. Review status: criteria provided, single submitter. Criteria: ACMG Guidelines, 2015. Collection method: clinical testing. Allele origin: germline.

Revvity Omics, Revvity
Classification: Uncertain significance for Anemia, congenital dyserythropoietic, type 1a. Last evaluated: 2024-07-17. Review status: criteria provided, single submitter. Criteria: ACMG Guidelines, 2015. Collection method: clinical testing. Allele origin: germline.

Labcorp Genetics (formerly Invitae), Labcorp
Classification: Uncertain significance. Last evaluated: 2022-10-15. Review status: criteria provided, single submitter. Criteria: Invitae Variant Classification Sherloc (09022015). Collection method: clinical testing. Allele origin: germline.
Comment: This sequence change replaces aspartic acid, which is acidic and polar, with glutamic acid, which is acidic and polar, at codon 1045 of the CDAN1 protein (p.Asp1045Glu). This variant is present in population databases (rs146289653, gnomAD 0.04%). This variant has not been reported in the literature in individuals affected with CDAN1-related conditions. ClinVar contains an entry for this variant (Variation ID: 886001). Algorithms developed to predict the effect of missense changes on protein structure and function output the following: SIFT: "Tolerated"; PolyPhen-2: "Benign"; Align-GVGD: "Class C0". The glutamic acid amino acid residue is found in multiple mammalian species, which suggests that this missense change does not adversely affect protein function. In summary, the available evidence is currently insufficient to determine the role of this variant in disease. Therefore, it has been classified as a Variant of Uncertain Significance.

Ambry Genetics
Classification: Likely benign for Inborn genetic diseases. Last evaluated: 2021-08-02. Review status: criteria provided, single submitter. Criteria: Ambry Variant Classification Scheme 2023. Collection method: clinical testing. Allele origin: germline.

Illumina Laboratory Services, Illumina
Classification: Uncertain significance for Anemia, congenital dyserythropoietic, type 1a. Last evaluated: 2018-01-13. Review status: criteria provided, single submitter. Criteria: ICSL Variant Classification Criteria 13 December 2019. Collection method: clinical testing. Allele origin: germline.